The following is an entry in ClinVar:

NM_000052.7(ATP7A):c.3455C>T (p.Ala1152Val)

Gene: ATP7A (ATPase copper transporting alpha; plus strand). Cytogenetic location: Xq21.1.
Variant type: single nucleotide variant.
Coding change: c.3455C>T on transcript NM_000052.7 (MANE Select); coding-DNA position 3455, C replaced by T.
Protein change: p.Ala1152Val; replaces alanine 1152 with valine.
Molecular consequence: missense variant. On other transcripts: non-coding transcript variant (1).
Genome position (GRCh38, 1-based): chrX:78,033,765, C>T. VCF-style: chrX-78033765-C-T. GRCh37 (hg19) VCF-style: chrX-77289263-C-T.
Other names: c.3221C>T, p.Ala1074Val (NM_001282224.2); c.3455C>T (NM_000052.6); short protein forms A1074V, A1152V.
Identifiers: ClinVar variation 1008336 (VCV001008336.9), dbSNP rs371409820, ClinGen allele CA10459416.

ClinVar aggregate classification (germline): Likely benign. Review status: criteria provided, single submitter (1 of 4 stars). 3 submissions from 3 submitters: Likely benign (1). 2 of the submissions do not count toward it. Last evaluated 2025-12-08.

Conditions:
X-linked distal spinal muscular atrophy type 3. Also called: SPINAL MUSCULAR ATROPHY, DISTAL, X-LINKED RECESSIVE; NEURONOPATHY, DISTAL HEREDITARY MOTOR, X-LINKED; NEUROPATHY, DISTAL HEREDITARY MOTOR, X-LINKED; ATP7A-Related Distal Motor Neuropathy. Identifiers: Orphanet 139557, MedGen C1845359, MONDO:0010338, OMIM 300489.
Menkes kinky-hair syndrome (MNK). Also called: Classic Menkes Disease; Menkes Disease; Copper transport disease. Identifiers: Orphanet 565, MedGen C0022716, MONDO:0010651, OMIM 309400.
Cutis laxa, X-linked (OHS). Also called: EDS IX; Occipital horn syndrome. Identifiers: Orphanet 198, MedGen C0268353, MONDO:0010572, OMIM 304150.
ATP7A-related disorder. Also called: ATP7A-related condition.

Allele frequency attached by ClinVar (database versions not stated): gnomAD 0.00001; ExAC 0.00002; gnomAD exomes 0.00002 and 0.00005; TOPMed 0.00003; ESP Exome Variant Server 0.00009.
gnomAD v4.1: 53 of 1,208,787 alleles (0.0044%); highest among the groups gnomAD compares: Non-Finnish European, 0.0059%; no homozygotes.

Submissions (3):

Labcorp Genetics (formerly Invitae), Labcorp
Classification: Likely benign for X-linked distal spinal muscular atrophy type 3; Cutis laxa, X-linked; Menkes kinky-hair syndrome. Last evaluated: 2025-12-08. Review status: criteria provided, single submitter. Criteria: Invitae Variant Classification Sherloc (09022015). Collection method: clinical testing. Allele origin: germline.

PreventionGenetics, part of Exact Sciences
Classification: Uncertain significance for ATP7A-related condition. Last evaluated: 2024-09-26. Review status: no assertion criteria provided. Collection method: clinical testing. Allele origin: germline. Not counted in ClinVar's aggregate classification.
Comment: The ATP7A c.3455C>T variant is predicted to result in the amino acid substitution p.Ala1152Val. To our knowledge, this variant has not been reported in the literature. This variant is reported in 0.0049% of alleles in individuals of European (Non-Finnish) descent in gnomAD. Although we suspect that this variant may be benign, at this time, the clinical significance of this variant is uncertain due to the absence of conclusive functional and genetic evidence.

Natera, Inc.
Classification: Uncertain significance for Menkes kinky hair syndrome. Last evaluated: 2020-11-17. Review status: no assertion criteria provided. Collection method: clinical testing. Allele origin: germline. Not counted in ClinVar's aggregate classification.